The following is an entry in ClinVar:

ClinVar aggregate classification (germline): Conflicting classifications of pathogenicity. Review status: criteria provided, conflicting classifications (1 of 4 stars). 9 submissions from 5 submitters: Uncertain significance (6); Benign (2); Likely benign (1). Last evaluated 2026-08-24.

Conditions:
Early-onset myopathy with fatal cardiomyopathy (CMYO5). Also called: CONGENITAL MYOPATHY 5 WITH CARDIOMYOPATHY; Salih Myopathy. Identifiers: Orphanet 289377, MedGen C2673677, MONDO:0012714, OMIM 611705. Disease mechanism: loss of function.
Autosomal recessive limb-girdle muscular dystrophy type 2J (LGMDR10). Also called: MUSCULAR DYSTROPHY, LIMB-GIRDLE, AUTOSOMAL RECESSIVE 10; Limb-girdle muscular dystrophy, type 2J. Identifiers: Orphanet 140922, MedGen C1837342, MONDO:0012127, OMIM 608807.
Tibial muscular dystrophy (TMD). Also called: Udd Distal Myopathy – Tibial Muscular Dystrophy; UDD MYOPATHY; Tibial muscular dystrophy, tardive. Identifiers: Orphanet 609, MedGen C1838244, MONDO:0010870, OMIM 600334.
Myopathy, myofibrillar, 9, with early respiratory failure (MFM9). Also called: Myopathy, distal, with early respiratory failure, autosomal dominant; EDSTROM MYOPATHY; Hereditary myopathy with early respiratory failure; MYOPATHY, PROXIMAL, WITH EARLY RESPIRATORY MUSCLE INVOLVEMENT. Identifiers: Orphanet 178464, Orphanet 34521, MedGen C1863599, MONDO:0011362, OMIM 603689.
TTN-related disorder. Also called: TTN-related condition; TTN-related disease; TTN-related disorders.
Dilated cardiomyopathy 1G (CMD1G). Identifiers: Orphanet 154, MedGen C1858763, MONDO:0011400, OMIM 604145.

Allele frequency attached by ClinVar (database versions not stated): gnomAD 0.00001 and 0.00002; gnomAD exomes 0.00001 and 0.00003; ExAC 0.00002; TOPMed 0.00007; ESP Exome Variant Server 0.00008; 1000 Genomes Project 30x 0.00031.
gnomAD v4.1: 13 of 1,612,058 alleles (0.00081%); highest among the groups gnomAD compares: African/African-American, 0.0093%; no homozygotes.

Submissions (9):

PreventionGenetics, part of Exact Sciences
Classification: Uncertain significance for TTN-related condition. Last evaluated: 2026-08-24. Review status: criteria provided, single submitter. Criteria: ACMG Guidelines, 2015. Collection method: clinical testing. Allele origin: germline.
Comment: The TTN c.62609A>C variant is predicted to result in the amino acid substitution p.Asn20870Thr. To our knowledge, this variant has not been reported in the literature. This variant is reported in 0.019% of alleles in individuals of African descent in gnomAD. At this time, the clinical significance of this variant is uncertain due to the absence of conclusive functional and genetic evidence.

CeGaT Center for Human Genetics Tuebingen
Classification: Uncertain significance. Last evaluated: 2023-12-01. Review status: criteria provided, single submitter. Criteria: CeGaT Center For Human Genetics Tuebingen Variant Classification Criteria Version 2. Collection method: clinical testing. Allele origin: germline. Affected: yes. Observed: 1 variant allele.

Revvity Omics, Revvity
Classification: Uncertain significance. Last evaluated: 2022-06-29. Review status: criteria provided, single submitter. Criteria: ACMG Guidelines, 2015. Collection method: clinical testing. Allele origin: germline.

GeneDx
Classification: Likely benign. Last evaluated: 2020-06-08. Review status: criteria provided, single submitter. Criteria: GeneDx Variant Classification Process June 2021. Collection method: clinical testing. Allele origin: germline. Affected: yes.

Illumina Laboratory Services, Illumina
Classification: Uncertain significance for Early-onset myopathy with fatal cardiomyopathy. Last evaluated: 2018-01-13. Review status: criteria provided, single submitter. Criteria: ICSL Variant Classification Criteria 13 December 2019. Collection method: clinical testing. Allele origin: germline.

Illumina Laboratory Services, Illumina
Classification: Uncertain significance for Autosomal recessive limb-girdle muscular dystrophy type 2J. Last evaluated: 2018-01-13. Review status: criteria provided, single submitter. Criteria: ICSL Variant Classification Criteria 13 December 2019. Collection method: clinical testing. Allele origin: germline.

Illumina Laboratory Services, Illumina
Classification: Benign for Myopathy, myofibrillar, 9, with early respiratory failure. Last evaluated: 2018-01-13. Review status: criteria provided, single submitter. Criteria: ICSL Variant Classification Criteria 13 December 2019. Collection method: clinical testing. Allele origin: germline.
Comment: This variant was observed in the ICSL laboratory as part of a predisposition screen in an ostensibly healthy population. It had not been previously curated by ICSL or reported in the Human Gene Mutation Database (HGMD: prior to June 1st, 2018), and was therefore a candidate for classification through an automated scoring system. Utilizing variant allele frequency, disease prevalence and penetrance estimates, and inheritance mode, an automated score was calculated to assess if this variant is too frequent to cause the disease. Based on the score and internal cut-off values, a variant classified as benign is not then subjected to further curation. The score for this variant resulted in a classification of benign for this disease.

Illumina Laboratory Services, Illumina
Classification: Uncertain significance for Dilated cardiomyopathy 1G. Last evaluated: 2018-01-13. Review status: criteria provided, single submitter. Criteria: ICSL Variant Classification Criteria 13 December 2019. Collection method: clinical testing. Allele origin: germline.

Illumina Laboratory Services, Illumina
Classification: Benign for Tibial muscular dystrophy. Last evaluated: 2018-01-13. Review status: criteria provided, single submitter. Criteria: ICSL Variant Classification Criteria 13 December 2019. Collection method: clinical testing. Allele origin: germline.
Comment: the same text as in the submission from Illumina Laboratory Services, Illumina above.

NM_001267550.2(TTN):c.62609A>C (p.Asn20870Thr)

Genes: TTN (titin; minus strand), TTN-AS1 (TTN antisense RNA 1; plus strand). Cytogenetic location: 2q31.2.
Variant type: single nucleotide variant.
Coding change: c.62609A>C on transcript NM_001267550.2 (MANE Select); coding-DNA position 62609, A replaced by C.
Protein change: p.Asn20870Thr; replaces asparagine 20870 with threonine.
Molecular consequence: missense variant.
Genome position (GRCh38, 1-based): chr2:178,589,116, T>G on the plus strand (A>C on the coding strand, the complement: TTN is on the minus strand). VCF-style: chr2-178589116-T-G. GRCh37 (hg19) VCF-style: chr2-179453843-T-G.
Other names: c.57686A>C, p.Asn19229Thr (NM_001256850.1); c.35414A>C, p.Asn11805Thr (NM_003319.4); c.54905A>C, p.Asn18302Thr (NM_133378.4); c.35789A>C, p.Asn11930Thr (NM_133432.3); c.35990A>C, p.Asn11997Thr (NM_133437.4); short protein forms N18302T, N20870T, N11997T, N19229T, N11805T, N11930T.
Identifiers: ClinVar variation 332815 (VCV000332815.33), dbSNP rs376338324, ClinGen allele CA1992202.